The following is an entry in ClinVar:

NM_000138.5(FBN1):c.6987C>G (p.Asp2329Glu)

Gene: FBN1 (fibrillin 1; minus strand). Cytogenetic location: 15q21.1.
Variant type: single nucleotide variant.
Coding change: c.6987C>G on transcript NM_000138.5 (MANE Select); coding-DNA position 6987, C replaced by G.
Protein change: p.Asp2329Glu; replaces aspartic acid 2329 with glutamic acid.
Molecular consequence: missense variant.
Genome position (GRCh38, 1-based): chr15:48,428,356, G>C on the plus strand (C>G on the coding strand, the complement: FBN1 is on the minus strand). VCF-style: chr15-48428356-G-C. GRCh37 (hg19) VCF-style: chr15-48720553-G-C.
Other names: p.Asp2329Glu; short protein forms D2329E.
Identifiers: ClinVar variation 316365 (VCV000316365.37), dbSNP rs363831, ClinGen allele CA057647.

ClinVar aggregate classification (germline): Benign/Likely benign. Review status: criteria provided, multiple submitters, no conflicts (2 of 4 stars). 18 submissions from 12 submitters: Benign (13); Likely benign (5). Last evaluated 2026-06-01.

Conditions:
Geleophysic dysplasia. Identifiers: Orphanet 2623, MedGen C3489726, MONDO:0000127.
Familial thoracic aortic aneurysm and aortic dissection (TAAD). Also called: Thoracic aortic aneurysms and dissections. Identifiers: Orphanet 91387, MedGen C4707243, MONDO:0019625.
Stiff skin syndrome (SSKS). Identifiers: Orphanet 2833, MedGen C1861456, MONDO:0008492, OMIM 184900.
Ectopia lentis 1, isolated, autosomal dominant (ECTOL1). Identifiers: Orphanet 1885, MedGen C3541518, MONDO:0007514, OMIM 129600.
Acromicric dysplasia (ACMICD). Also called: Acromicric skeletal dysplasia. Identifiers: Orphanet 969, MedGen C0265287, MONDO:0007055, OMIM 102370.
Geleophysic dysplasia 2 (GPHYSD2). Identifiers: Orphanet 2623, MedGen C3280054, MONDO:0013612, OMIM 614185.
MASS syndrome (OCTD). Also called: MASS PHENOTYPE; OVERLAP CONNECTIVE TISSUE DISEASE. Identifiers: MedGen C1858556, MONDO:0011431, OMIM 604308.
Progeroid and marfanoid aspect-lipodystrophy syndrome. Also called: MARFANOID-PROGEROID SYNDROME; MARFAN-PROGEROID-LIPODYSTROPHY SYNDROME; Marfan lipodystrophy syndrome; MARFANOID-PROGEROID-LIPODYSTROPHY SYNDROME. Identifiers: Orphanet 300382, MedGen C4310796, MONDO:0014831, OMIM 616914.
Weill-Marchesani syndrome 2, dominant. Also called: FBN1-Related Weill-Marchesani Syndrome; Weill-Marchesani Syndrome, Autosomal Dominant. Identifiers: Orphanet 2084, MedGen C1869115, MONDO:0012013, OMIM 608328.
Marfan syndrome (MFS). Also called: Marfan syndrome, classic; Marfan syndrome type 1; Marfan's syndrome; MARFAN SYNDROME, TYPE I; FBN1-Related Marfan Syndrome. Identifiers: Orphanet 284963, Orphanet 558, MedGen C0024796, MONDO:0007947, OMIM 154700.
Weill-Marchesani syndrome. Also called: WM Syndrome; Mesodermal dysmorphodystrophy congenital. Identifiers: Orphanet 3449, MedGen C0265313, MONDO:0018096.

Allele frequency attached by ClinVar (database versions not stated): ESP Exome Variant Server 0.00038; TOPMed 0.00068; gnomAD 0.00089; 1000 Genomes Project 30x 0.00125; 1000 Genomes Project 0.00140.
gnomAD v4.1: 349 of 1,614,100 alleles (0.022%); highest among the groups gnomAD compares: East Asian, 0.46%; 3 homozygotes.

Submissions (18):

CeGaT Center for Human Genetics Tuebingen
Classification: Likely benign. Last evaluated: 2026-06-01. Review status: criteria provided, single submitter. Criteria: CeGaT Center For Human Genetics Tuebingen Variant Classification Criteria Version 2. Collection method: clinical testing. Allele origin: germline. Affected: yes. Observed: 1 variant allele.
Comment: FBN1: BS2

Labcorp Genetics (formerly Invitae), Labcorp
Classification: Benign for Marfan syndrome; Familial thoracic aortic aneurysm and aortic dissection. Last evaluated: 2026-02-01. Review status: criteria provided, single submitter. Criteria: Invitae Variant Classification Sherloc (09022015). Collection method: clinical testing. Allele origin: germline.

ARUP Laboratories, Molecular Genetics and Genomics, ARUP Laboratories
Classification: Benign. Last evaluated: 2025-05-26. Review status: criteria provided, single submitter. Criteria: ARUP Molecular Germline Variant Investigation Process 2024. Collection method: clinical testing. Allele origin: germline.

Blueprint Genetics
Classification: Likely benign. Last evaluated: 2024-11-27. Review status: criteria provided, single submitter. Criteria: ACMG Guidelines, 2015. Collection method: clinical testing. Allele origin: germline.

Fulgent Genetics
Classification: Likely benign for Acromicric dysplasia; Ectopia lentis 1, isolated, autosomal dominant; Marfan syndrome; Stiff skin syndrome; MASS syndrome; Weill-Marchesani syndrome 2, dominant; Geleophysic dysplasia 2; Progeroid and marfanoid aspect-lipodystrophy syndrome. Last evaluated: 2022-04-19. Review status: criteria provided, single submitter. Criteria: ACMG Guidelines, 2015. Collection method: clinical testing. Allele origin: unknown.

Mayo Clinic Laboratories, Mayo Clinic
Classification: Benign. Last evaluated: 2021-01-26. Review status: criteria provided, single submitter. Criteria: ACMG Guidelines, 2015. Collection method: clinical testing. Allele origin: germline. Observed: 3 variant alleles.

Molecular Diagnostic Laboratory for Inherited Cardiovascular Disease, Montreal Heart Institute
Classification: Likely benign. Last evaluated: 2019-08-28. Review status: criteria provided, single submitter. Criteria: ACMG Guidelines, 2015. Collection method: clinical testing. Allele origin: germline. Affected: yes.

Ambry Genetics
Classification: Benign for Familial thoracic aortic aneurysm and aortic dissection. Last evaluated: 2018-07-11. Review status: criteria provided, single submitter. Criteria: Ambry Variant Classification Scheme 2023. Collection method: clinical testing. Allele origin: germline.

Color Diagnostics, LLC DBA Color Health
Classification: Benign for Familial thoracic aortic aneurysm and aortic dissection. Last evaluated: 2018-06-25. Review status: criteria provided, single submitter. Criteria: ACMG Guidelines, 2015. Collection method: clinical testing. Allele origin: germline.

CHEO Genetics Diagnostic Laboratory, Children's Hospital of Eastern Ontario
Classification: Benign for Familial thoracic aortic aneurysm and aortic dissection. Last evaluated: 2018-02-01. Review status: criteria provided, single submitter. Criteria: ACMG Guidelines, 2015. Collection method: clinical testing. Allele origin: germline.

Illumina Laboratory Services, Illumina
Classification: Benign for Ectopia lentis 1, isolated, autosomal dominant. Last evaluated: 2018-01-13. Review status: criteria provided, single submitter. Criteria: ICSL Variant Classification Criteria 13 December 2019. Collection method: clinical testing. Allele origin: germline.
Comment: This variant was observed in the ICSL laboratory as part of a predisposition screen in an ostensibly healthy population. It had not been previously curated by ICSL or reported in the Human Gene Mutation Database (HGMD: prior to June 1st, 2018), and was therefore a candidate for classification through an automated scoring system. Utilizing variant allele frequency, disease prevalence and penetrance estimates, and inheritance mode, an automated score was calculated to assess if this variant is too frequent to cause the disease. Based on the score and internal cut-off values, a variant classified as benign is not then subjected to further curation. The score for this variant resulted in a classification of benign for this disease.

Illumina Laboratory Services, Illumina
Classification: Benign for Marfan syndrome. Last evaluated: 2018-01-13. Review status: criteria provided, single submitter. Criteria: ICSL Variant Classification Criteria 13 December 2019. Collection method: clinical testing. Allele origin: germline.
Comment: the same text as in the submission from Illumina Laboratory Services, Illumina above.

Illumina Laboratory Services, Illumina
Classification: Benign for Weill-Marchesani syndrome. Last evaluated: 2018-01-13. Review status: criteria provided, single submitter. Criteria: ICSL Variant Classification Criteria 13 December 2019. Collection method: clinical testing. Allele origin: germline.
Comment: the same text as in the submission from Illumina Laboratory Services, Illumina above.

Illumina Laboratory Services, Illumina
Classification: Benign for Geleophysic dysplasia. Last evaluated: 2018-01-13. Review status: criteria provided, single submitter. Criteria: ICSL Variant Classification Criteria 13 December 2019. Collection method: clinical testing. Allele origin: germline.
Comment: the same text as in the submission from Illumina Laboratory Services, Illumina above.

Illumina Laboratory Services, Illumina
Classification: Benign for Stiff skin syndrome. Last evaluated: 2018-01-13. Review status: criteria provided, single submitter. Criteria: ICSL Variant Classification Criteria 13 December 2019. Collection method: clinical testing. Allele origin: germline.
Comment: the same text as in the submission from Illumina Laboratory Services, Illumina above.

Illumina Laboratory Services, Illumina
Classification: Likely benign for Familial thoracic aortic aneurysm and aortic dissection. Last evaluated: 2018-01-13. Review status: criteria provided, single submitter. Criteria: ICSL Variant Classification Criteria 13 December 2019. Collection method: clinical testing. Allele origin: germline.
Comment: This variant was observed in the ICSL laboratory as part of a predisposition screen in an ostensibly healthy population. It had not been previously curated by ICSL or reported in the Human Gene Mutation Database (HGMD: prior to June 1st, 2018), and was therefore a candidate for classification through an automated scoring system. Utilizing variant allele frequency, disease prevalence and penetrance estimates, and inheritance mode, an automated score was calculated to assess if this variant is too frequent to cause the disease. Based on the score and internal cut-off values, a variant classified as likely benign is not then subjected to further curation. The score for this variant resulted in a classification of likely benign for this disease.

Illumina Laboratory Services, Illumina
Classification: Benign for Acromicric dysplasia. Last evaluated: 2018-01-13. Review status: criteria provided, single submitter. Criteria: ICSL Variant Classification Criteria 13 December 2019. Collection method: clinical testing. Allele origin: germline.
Comment: the same text as in the submission from Illumina Laboratory Services, Illumina above.

GeneDx
Classification: Benign. Last evaluated: 2017-02-21. Review status: criteria provided, single submitter. Criteria: GeneDx Variant Classification (06012015). Collection method: clinical testing. Allele origin: germline. Affected: yes.
Comment: This variant is considered likely benign or benign based on one or more of the following criteria: it is a conservative change, it occurs at a poorly conserved position in the protein, it is predicted to be benign by multiple in silico algorithms, and/or has population frequency not consistent with disease.